The following is an entry in ClinVar:

ClinVar aggregate classification (germline): Uncertain risk allele (1 of 4 stars; one submission).

Conditions:
Diabetic retinopathy. Identifiers: MedGen C0011884, MONDO:0005266.

Submission:

Clinical Genomics, Uppaluri K&H Personalized Medicine Clinic
Classification: Uncertain risk allele for Diabetic retinopathy. Review status: criteria provided, single submitter. Criteria: K And H Uppaluri Personalized Medicine Clinic Variant Classification And Assertion Criteria Updated V 2. Collection method: research. Allele origin: unknown.
Comment: Potent mutations in TGFBR2 gene encodes the transforming growth factor that have been associated with angiogenesis and diabetic retinopathy. More clinical studies are needed for stronger association. However, more evidence is required to confer the association of this particular variant rs886058300 with diabetic retinopathy.

Literature cited by the submitters: PubMed 30222965; PubMed 28162229; PubMed 34572573.

NM_003242.6(TGFBR2):c.-228C>A

Gene: TGFBR2 (transforming growth factor beta receptor 2; plus strand). Cytogenetic location: 3p24.1.
Variant type: single nucleotide variant.
Coding change: c.-228C>A on transcript NM_003242.6 (MANE Select); 228 bases upstream of the start codon, C replaced by A.
Molecular consequence: 5 prime UTR variant.
Genome position (GRCh38, 1-based): chr3:30,606,656, C>A. VCF-style: chr3-30606656-C-A. GRCh37 (hg19) VCF-style: chr3-30648148-C-A.
Other names: c.-228C>A (NM_001024847.3, NM_001407126.1, NM_001407127.1 and 4 more transcripts); c.-511C>A (NM_001407133.1); c.-389C>A (NM_001407134.1); c.-436C>A (NM_001407135.1); c.-521C>A (NM_001407136.1).
Identifiers: ClinVar variation 344651 (VCV000344651.7), dbSNP rs886058300, ClinGen allele CA10616070.
Genomic context (GRCh38, chr3:30,606,656, plus strand): 5'-GAGTCACTCGCGCGCACGGAGCGACGACACCCCCGCGCGTGCACCCGCTCGGGACAGGAG[C>A]CGGACTCCTGTGCAGCTTCCCTCGGCCGCCGGGGGCCTCCCCGCGCCTCGCCGGCCTCCA-3'